The following is an entry in ClinVar:

NM_001129.5(AEBP1):c.2150G>C (p.Trp717Ser)

Gene: AEBP1 (AE binding protein 1; plus strand). Cytogenetic location: 7p13.
Variant type: single nucleotide variant.
Coding change: c.2150G>C on transcript NM_001129.5 (MANE Select); coding-DNA position 2150, G replaced by C.
Protein change: p.Trp717Ser; replaces tryptophan 717 with serine.
Molecular consequence: missense variant.
Genome position (GRCh38, 1-based): chr7:44,112,254, G>C. VCF-style: chr7-44112254-G-C. GRCh37 (hg19) VCF-style: chr7-44151853-G-C.
Other names: short protein forms W717S.
Identifiers: ClinVar variation 1707243 (VCV001707243.2), dbSNP rs374341905, ClinGen allele CA4238123.
Genomic context (GRCh38, chr7:44,112,254, plus strand): 5'-ACATCTTTGAAGATTTCCCGGATCTCAACTCTGTGCTCTGGGGAGCTGAGGAGAGGAAAT[G>C]GGTCCCCTACCGGGTCCCCAACAATAACTTGCCCATCCCTGAACGCTACCTTTCGCCAGA-3'
Protein context (NP_001120.3, residues 707-727): SVLWGAEERK[Trp717Ser]VPYRVPNNNL

ClinVar aggregate classification (germline): Uncertain significance (1 of 4 stars; one submission).

Allele frequency attached by ClinVar (database versions not stated): ExAC 0.00001; gnomAD exomes 0.00001; TOPMed 0.00002; gnomAD 0.00003; ESP Exome Variant Server 0.00008.
gnomAD v4.1: 13 of 1,604,146 alleles (0.00081%); highest among the groups gnomAD compares: Non-Finnish European, 0.00068%; no homozygotes.

Submission:

GeneDx
Classification: Uncertain significance. Last evaluated: 2022-03-21. Review status: criteria provided, single submitter. Criteria: GeneDx Variant Classification Process June 2021. Collection method: clinical testing. Allele origin: germline. Affected: yes.
Comment: Has not been previously published as pathogenic or benign to our knowledge; Not observed at significant frequency in large population cohorts (gnomAD); In silico analysis supports that this missense variant does not alter protein structure/function